The following is an entry in ClinVar:

NM_172107.4(KCNQ2):c.1764A>T (p.Arg588Ser)

Gene: KCNQ2 (potassium voltage-gated channel subfamily Q member 2; minus strand). Cytogenetic location: 20q13.33.
Variant type: single nucleotide variant.
Coding change: c.1764A>T on transcript NM_172107.4 (MANE Select); coding-DNA position 1764, A replaced by T.
Protein change: p.Arg588Ser; replaces arginine 588 with serine.
Molecular consequence: missense variant.
Genome position (GRCh38, 1-based): chr20:63,408,536, T>A on the plus strand (A>T on the coding strand, the complement: KCNQ2 is on the minus strand). VCF-style: chr20-63408536-T-A. GRCh37 (hg19) VCF-style: chr20-62039889-T-A.
Other names: c.1680A>T, p.Arg560Ser (NM_004518.6); c.1710A>T, p.Arg570Ser (NM_172106.3); c.1671A>T, p.Arg557Ser (NM_172108.5); short protein forms R588S, R560S, R557S, R570S.
Identifiers: ClinVar variation 21770 (VCV000021770.5), dbSNP rs118192237, ClinGen allele CA342475.

ClinVar aggregate classification (germline): not provided (0 of 4 stars; one submission).

Conditions:
Seizures, benign familial neonatal, 1. Also called: Benign Neonatal Epilepsy 1; KCNQ2-Related Benign Familial Neonatal Epilepsy; KCNQ2-Related Self-Limited Familial Neonatal Epilepsy (SLFNE); Seizures, benign neonatal, 1. Identifiers: Orphanet 1949, MedGen C3149074, MONDO:0007365, OMIM 121200.

Submissions (7):

Channelopathy-Associated Epilepsy Research Center
No classification provided (evidence only). Condition: Complex neurodevelopmental disorder. Review status: no classification provided. Collection method: literature only. Allele origin: not applicable. Functional consequence: Severe decrease in peak current, Mild slowing of activation, Normal voltage dependence of activation. Not counted in ClinVar's aggregate classification.
ClinVar note: "not provided" was previously submitted as the classification for the variant. However, the classification appeared to be based only on an observation of functional data so it was converted to no classification on 2025-07-30.

Channelopathy-Associated Epilepsy Research Center
No classification provided (evidence only). Review status: no classification provided. Collection method: in vitro. Allele origin: not applicable. Functional consequence: Decrease in peak current. Not counted in ClinVar's aggregate classification.

Channelopathy-Associated Epilepsy Research Center
No classification provided (evidence only). Review status: no classification provided. Collection method: in vitro. Allele origin: not applicable. Functional consequence: Decrease in peak current. Not counted in ClinVar's aggregate classification.

Channelopathy-Associated Epilepsy Research Center
No classification provided (evidence only). Review status: no classification provided. Collection method: in vitro. Allele origin: not applicable. Functional consequence: Normal voltage dependence of activation. Not counted in ClinVar's aggregate classification.

Channelopathy-Associated Epilepsy Research Center
No classification provided (evidence only). Review status: no classification provided. Collection method: in vitro. Allele origin: not applicable. Functional consequence: Normal slope of activation. Not counted in ClinVar's aggregate classification.

Channelopathy-Associated Epilepsy Research Center
No classification provided (evidence only). Review status: no classification provided. Collection method: in vitro. Allele origin: not applicable. Functional consequence: Normal rate of activation. Not counted in ClinVar's aggregate classification.

GeneReviews
No classification provided. Condition: Seizures, benign familial neonatal, 1. Review status: no classification provided. Collection method: literature only. Allele origin: germline. Affected: yes.
Comment: BFNE (benign familial neonatal epilepsy)

Functional effect: Slight rightward shift in current voltage-dependence; no effect on maximal current amplitude

Literature cited by the submitters: PubMed 35104249 (cited by Channelopathy-Associated Epilepsy Research Center); PubMed 14985406 (cited by GeneReviews); PubMed 25982755 (cited by GeneReviews); NCBI Bookshelf NBK32534 (cited by GeneReviews).